The following is an entry in ClinVar:

NM_006059.4(LAMC3):c.1940-76A>C

Gene: LAMC3 (laminin subunit gamma 3; plus strand). Cytogenetic location: 9q34.12.
Variant type: single nucleotide variant.
Coding change: c.1940-76A>C on transcript NM_006059.4 (MANE Select); 76 bases into the intron before coding-DNA position 1940, A replaced by C.
Molecular consequence: intron variant.
Genome position (GRCh38, 1-based): chr9:131,056,853, A>C. VCF-style: chr9-131056853-A-C. GRCh37 (hg19) VCF-style: chr9-133932240-A-C.
Identifiers: ClinVar variation 682996 (VCV000682996.2), dbSNP rs10901335, ClinGen allele CA12973150.

ClinVar aggregate classification (germline): Benign. Review status: criteria provided, multiple submitters, no conflicts (2 of 4 stars). 2 submissions from 2 submitters: Benign (2). Last evaluated 2018-06-14.

Allele frequency attached by ClinVar (database versions not stated): 1000 Genomes Project 0.46466; 1000 Genomes Project 30x 0.47096; TOPMed 0.47848; gnomAD 0.48816 and 0.48993.
gnomAD v4.1: 550,662 of 1,143,698 alleles (48%); highest among the groups gnomAD compares: Middle Eastern, 51%; 134,063 homozygotes.

Submissions (2):

GeneDx
Classification: Benign. Last evaluated: 2018-06-14. Review status: criteria provided, single submitter. Criteria: GeneDx Variant Classification (06012015). Collection method: clinical testing. Allele origin: germline. Affected: yes.
Comment: This variant is considered likely benign or benign based on one or more of the following criteria: it is a conservative change, it occurs at a poorly conserved position in the protein, it is predicted to be benign by multiple in silico algorithms, and/or has population frequency not consistent with disease.

Breakthrough Genomics
Classification: Benign. Review status: criteria provided, single submitter. Criteria: ACMG Guidelines, 2015. Collection method: not provided. Allele origin: germline. Inheritance: Autosomal recessive inheritance. Affected: yes.